The following is an entry in ClinVar:

NM_001009944.3(PKD1):c.7501G>A (p.Ala2501Thr)

Gene: PKD1 (polycystin 1, transient receptor potential channel interacting; minus strand). Cytogenetic location: 16p13.3.
Variant type: single nucleotide variant.
Coding change: c.7501G>A on transcript NM_001009944.3 (MANE Select); coding-DNA position 7501, G replaced by A.
Protein change: p.Ala2501Thr; replaces alanine 2501 with threonine.
Molecular consequence: missense variant.
Genome position (GRCh38, 1-based): chr16:2,106,293, C>T on the plus strand (G>A on the coding strand, the complement: PKD1 is on the minus strand). VCF-style: chr16-2106293-C-T. GRCh37 (hg19) VCF-style: chr16-2156294-C-T.
Other names: c.7501G>A, p.Ala2501Thr (NM_000296.4); short protein forms A2501T.
Identifiers: ClinVar variation 3892034 (VCV003892034.2).

ClinVar aggregate classification (germline): Uncertain significance. Review status: criteria provided, multiple submitters, no conflicts (2 of 4 stars). 2 submissions from 2 submitters: Uncertain significance (2). Last evaluated 2025-06-18.

Conditions:
Polycystic kidney disease, adult type (PKD1). Also called: POLYCYSTIC KIDNEY DISEASE 1 WITH OR WITHOUT POLYCYSTIC LIVER DISEASE; POLYCYSTIC KIDNEY DISEASE, ADULT, TYPE I; Polycystic Kidney Disease 1, Autosomal Dominant; Polycystic kidney disease 1; Polycystic kidney disease 1, severe; Polycystic Kidney, Autosomal Dominant. Identifiers: MedGen C3149841, MONDO:0008263, OMIM 173900.

gnomAD v4.1: 55 of 1,609,776 alleles (0.0034%); highest among the groups gnomAD compares: African/African-American, 0.032%; no homozygotes.

Submissions (2):

Women's Health and Genetics/Laboratory Corporation of America, LabCorp
Classification: Uncertain significance. Last evaluated: 2025-06-18. Review status: criteria provided, single submitter. Criteria: LabCorp Variant Classification Summary - May 2015. Collection method: clinical testing. Allele origin: germline.
Comment: Variant summary: PKD1 c.7501G>A (p.Ala2501Thr) results in a non-conservative amino acid change in the encoded protein sequence. Algorithms developed to predict the effect of missense changes on protein structure and function are either unavailable or do not agree on the potential impact of this missense change. The variant allele was found at a frequency of 4.2e-05 in 237852 control chromosomes. This frequency is not significantly higher than estimated for a pathogenic variant in PKD1 causing PKD1-Biallelic Autosomal Recessive Polycystic Kidney Disease, allowing no conclusion about variant significance. To our knowledge, no occurrence of c.7501G>A in individuals affected with PKD1-Biallelic Autosomal Recessive Polycystic Kidney Disease and no experimental evidence demonstrating its impact on protein function have been reported. ClinVar contains an entry for this variant (Variation ID: 3892034). Based on the evidence outlined above, the variant was classified as uncertain significance.

Department of Pathology and Laboratory Medicine, Sinai Health System
Classification: Uncertain significance for Polycystic kidney disease, adult type. Last evaluated: 2017-05-17. Review status: criteria provided, single submitter. Criteria: ACMG Guidelines, 2015. Collection method: clinical testing. Allele origin: germline. Affected: yes.